The following is an entry in ClinVar:

NM_001267550.2(TTN):c.97117G>T (p.Asp32373Tyr)

Genes: TTN (titin; minus strand), TTN-AS1 (TTN antisense RNA 1; plus strand). Cytogenetic location: 2q31.2.
Variant type: single nucleotide variant.
Coding change: c.97117G>T on transcript NM_001267550.2 (MANE Select); coding-DNA position 97117, G replaced by T.
Protein change: p.Asp32373Tyr; replaces aspartic acid 32373 with tyrosine.
Molecular consequence: missense variant.
Genome position (GRCh38, 1-based): chr2:178,542,737, C>A on the plus strand (G>T on the coding strand, the complement: TTN is on the minus strand). VCF-style: chr2-178542737-C-A. GRCh37 (hg19) VCF-style: chr2-179407464-C-A.
Other names: c.92194G>T, p.Asp30732Tyr (NM_001256850.1); c.69922G>T, p.Asp23308Tyr (NM_003319.4); c.89413G>T, p.Asp29805Tyr (NM_133378.4); c.70297G>T, p.Asp23433Tyr (NM_133432.3); c.70498G>T, p.Asp23500Tyr (NM_133437.4); short protein forms D23433Y, D23500Y, D23308Y, D32373Y, D30732Y, D29805Y.
Identifiers: ClinVar variation 3571783 (VCV003571783.1).

ClinVar aggregate classification (germline): Uncertain significance (1 of 4 stars; one submission).

Submission:

Athena Diagnostics
Classification: Uncertain significance. Last evaluated: 2023-10-25. Review status: criteria provided, single submitter. Criteria: Athena Diagnostics Criteria. Collection method: clinical testing. Allele origin: unknown.
Comment: Available data are insufficient to determine the clinical significance of the variant at this time. This variant has not been reported in large, multi-ethnic general populations. Computational tools disagree on the variant's effect on normal protein function.